The following is an entry in ClinVar:

ClinVar aggregate classification (germline): Uncertain significance. Review status: criteria provided, multiple submitters, no conflicts (2 of 4 stars). 3 submissions from 3 submitters: Uncertain significance (3). Last evaluated 2025-12-14.

Conditions:
Cardiovascular phenotype. Identifiers: MedGen CN230736.
Brugada syndrome 8 (BRGDA8). Identifiers: Orphanet 130, MedGen C2751083, MONDO:0013148, OMIM 613123.

Allele frequency attached by ClinVar (database versions not stated): ExAC 0.00003; gnomAD 0.00003; TOPMed 0.00004; 1000 Genomes Project 0.00040; 1000 Genomes Project 30x 0.00062.
gnomAD v4.1: 22 of 1,614,240 alleles (0.0014%); highest among the groups gnomAD compares: East Asian, 0.0067%; no homozygotes.

Submissions (3):

Labcorp Genetics (formerly Invitae), Labcorp
Classification: Uncertain significance for Brugada syndrome 8. Last evaluated: 2025-12-14. Review status: criteria provided, single submitter. Criteria: Invitae Variant Classification Sherloc (09022015). Collection method: clinical testing. Allele origin: germline.
Comment: This sequence change replaces arginine, which is basic and polar, with histidine, which is basic and polar, at codon 612 of the HCN4 protein (p.Arg612His). This variant is present in population databases (rs528148663, gnomAD 0.02%). This missense change has been observed in individual(s) with atrioventricular nodal reentry tachycardia (PMID: 32508047). ClinVar contains an entry for this variant (Variation ID: 1781035). Invitae Evidence Modeling of protein sequence and biophysical properties (such as structural, functional, and spatial information, amino acid conservation, physicochemical variation, residue mobility, and thermodynamic stability) indicates that this missense variant is not expected to disrupt HCN4 protein function with a negative predictive value of 95%. In summary, the available evidence is currently insufficient to determine the role of this variant in disease. Therefore, it has been classified as a Variant of Uncertain Significance.

Ambry Genetics
Classification: Uncertain significance for Cardiovascular phenotype. Last evaluated: 2025-08-14. Review status: criteria provided, single submitter. Criteria: Ambry Variant Classification Scheme 2023. Collection method: clinical testing. Allele origin: germline.
Comment: The p.R612H variant (also known as c.1835G>A), located in coding exon 6 of the HCN4 gene, results from a G to A substitution at nucleotide position 1835. The arginine at codon 612 is replaced by histidine, an amino acid with highly similar properties. This variant was reported in individual(s) with features consistent with atrioventricular nodal reentry tachycardia (AVNRT) (Luo R et al. Clin Transl Med, 2020 Jan;10:238-257). This amino acid position is not well conserved in available vertebrate species, and histidine is the reference amino acid in other vertebrate species. In addition, the in silico prediction for this alteration is inconclusive. Based on the available evidence, the clinical significance of this variant remains unclear.

GeneDx
Classification: Uncertain significance. Last evaluated: 2024-05-15. Review status: criteria provided, single submitter. Criteria: GeneDx Variant Classification Process June 2021. Collection method: clinical testing. Allele origin: germline. Affected: yes.
Comment: Identified in a patient with atrioventricular nodal reentry tachycardia (AVNRT) in published literature (PMID: 32508047); In silico analysis supports that this missense variant has a deleterious effect on protein structure/function; This variant is associated with the following publications: (PMID: 35932045, 32508047)

Literature cited by the submitters: PubMed 32508047 (cited by Labcorp Genetics (formerly Invitae), Labcorp and Ambry Genetics).

NM_005477.3(HCN4):c.1835G>A (p.Arg612His)

Gene: HCN4 (hyperpolarization activated cyclic nucleotide gated potassium channel 4; minus strand). Cytogenetic location: 15q24.1.
Variant type: single nucleotide variant.
Coding change: c.1835G>A on transcript NM_005477.3 (MANE Select); coding-DNA position 1835, G replaced by A.
Protein change: p.Arg612His; replaces arginine 612 with histidine.
Molecular consequence: missense variant.
Genome position (GRCh38, 1-based): chr15:73,325,098, C>T on the plus strand (G>A on the coding strand, the complement: HCN4 is on the minus strand). VCF-style: chr15-73325098-C-T. GRCh37 (hg19) VCF-style: chr15-73617439-C-T.
Other names: short protein forms R612H.
Identifiers: ClinVar variation 1781035 (VCV001781035.9), dbSNP rs528148663, ClinGen allele CA7649178.